The following is an entry in ClinVar:

NM_000287.4(PEX6):c.372G>C (p.Leu124=)

Gene: PEX6 (peroxisomal biogenesis factor 6; minus strand). Cytogenetic location: 6p21.1.
Variant type: single nucleotide variant.
Coding change: c.372G>C on transcript NM_000287.4 (MANE Select); coding-DNA position 372, G replaced by C.
Protein change: p.Leu124=; no amino-acid change (leucine 124 retained).
Molecular consequence: synonymous variant. On other transcripts: non-coding transcript variant (1).
Genome position (GRCh38, 1-based): chr6:42,978,779, C>G on the plus strand (G>C on the coding strand, the complement: PEX6 is on the minus strand). VCF-style: chr6-42978779-C-G. GRCh37 (hg19) VCF-style: chr6-42946517-C-G.
Other names: c.372G>C, p.Leu124= (NM_001316313.2).
Identifiers: ClinVar variation 729968 (VCV000729968.18), dbSNP rs752732049, ClinGen allele CA3811631.

ClinVar aggregate classification (germline): Likely benign. Review status: criteria provided, multiple submitters, no conflicts (2 of 4 stars). 4 submissions from 4 submitters: Likely benign (3). 1 of the submissions does not count toward it. Last evaluated 2026-08-01.

Conditions:
Peroxisome biogenesis disorder. Identifiers: Orphanet 79189, MedGen C1832200, MONDO:0019234. Disease mechanism: loss of function.
PEX6-related disorder. Also called: PEX6-related disorders; PEX6-related condition.

Allele frequency attached by ClinVar (database versions not stated): ExAC below 0.00001; gnomAD exomes 0.00017; gnomAD 0.00018 and 0.00021; TOPMed 0.00042.
gnomAD v4.1: 72 of 1,534,422 alleles (0.0047%); highest among the groups gnomAD compares: Admixed American, 0.11%; no homozygotes.

Submissions (4):

CeGaT Center for Human Genetics Tuebingen
Classification: Likely benign. Last evaluated: 2026-08-01. Review status: criteria provided, single submitter. Criteria: CeGaT Center For Human Genetics Tuebingen Variant Classification Criteria Version 2. Collection method: clinical testing. Allele origin: germline. Affected: yes. Observed: 3 variant alleles.
Comment: PEX6: BP4, BP7

Labcorp Genetics (formerly Invitae), Labcorp
Classification: Likely benign for Peroxisome biogenesis disorder. Last evaluated: 2026-01-12. Review status: criteria provided, single submitter. Criteria: Invitae Variant Classification Sherloc (09022015). Collection method: clinical testing. Allele origin: germline.

Blueprint Genetics
Classification: Likely benign. Last evaluated: 2024-09-30. Review status: criteria provided, single submitter. Criteria: ACMG Guidelines, 2015. Collection method: clinical testing. Allele origin: germline.

PreventionGenetics, part of Exact Sciences
Classification: Likely benign for PEX6-related condition. Last evaluated: 2022-08-23. Review status: no assertion criteria provided. Collection method: clinical testing. Allele origin: germline. Not counted in ClinVar's aggregate classification.
Comment: This variant is classified as likely benign based on ACMG/AMP sequence variant interpretation guidelines (Richards et al. 2015 PMID: 25741868, with internal and published modifications).